The following is an entry in ClinVar:

ClinVar aggregate classification (germline): Likely benign. Review status: criteria provided, multiple submitters, no conflicts (2 of 4 stars). 3 submissions from 3 submitters: Likely benign (3). Last evaluated 2026-03-04.

Conditions:
UNC80-related disorder. Also called: UNC80-related condition.
Inborn genetic diseases. Identifiers: MedGen C0950123, MeSH D030342.

Allele frequency attached by ClinVar (database versions not stated): ExAC below 0.00001; 1000 Genomes Project 30x 0.00016; 1000 Genomes Project 0.00020; TOPMed 0.00027; gnomAD exomes 0.00048.
gnomAD v4.1: 128 of 1,551,566 alleles (0.0082%); highest among the groups gnomAD compares: Admixed American, 0.18%; no homozygotes.

Submissions (3):

PreventionGenetics, part of Exact Sciences
Classification: Likely benign for UNC80-related condition. Last evaluated: 2026-03-04. Review status: criteria provided, single submitter. Criteria: ACMG Guidelines, 2015. Collection method: clinical testing. Allele origin: germline.
Comment: This variant is classified as likely benign based on ACMG/AMP sequence variant interpretation guidelines (Richards et al. 2015 PMID: 25741868, with internal and published modifications).

Labcorp Genetics (formerly Invitae), Labcorp
Classification: Likely benign. Last evaluated: 2025-12-01. Review status: criteria provided, single submitter. Criteria: Invitae Variant Classification Sherloc (09022015). Collection method: clinical testing. Allele origin: germline.

Ambry Genetics
Classification: Likely benign for Inborn genetic diseases. Last evaluated: 2021-10-22. Review status: criteria provided, single submitter. Criteria: Ambry Variant Classification Scheme 2023. Collection method: clinical testing. Allele origin: germline.

NM_001371986.1(UNC80):c.4543G>A (p.Ala1515Thr)

Gene: UNC80 (unc-80 subunit of NALCN channel complex; plus strand). Cytogenetic location: 2q34.
Variant type: single nucleotide variant.
Coding change: c.4543G>A on transcript NM_001371986.1 (MANE Select); coding-DNA position 4543, G replaced by A.
Protein change: p.Ala1515Thr; replaces alanine 1515 with threonine.
Molecular consequence: missense variant.
Genome position (GRCh38, 1-based): chr2:209,896,375, G>A. VCF-style: chr2-209896375-G-A. GRCh37 (hg19) VCF-style: chr2-210761099-G-A.
Other names: c.4345G>A, p.Ala1449Thr (NM_032504.2); c.4330G>A, p.Ala1444Thr (NM_182587.4); short protein forms A1449T, A1444T, A1515T.
Identifiers: ClinVar variation 737872 (VCV000737872.11), dbSNP rs553977942, ClinGen allele CA2083203.